The following is an entry in ClinVar:

ClinVar aggregate classification (germline): Uncertain significance. Review status: criteria provided, multiple submitters, no conflicts (2 of 4 stars). 3 submissions from 3 submitters: Uncertain significance (3). Last evaluated 2024-04-01.

Conditions:
DICER1-related tumor predisposition. Also called: DICER1 syndrome; DICER1-related pleuropulmonary blastoma cancer predisposition syndrome. Identifiers: Orphanet 284343, MedGen C3839822, MONDO:0100216.
Global developmental delay - lung cysts - overgrowth - Wilms tumor syndrome. Also called: GLOBAL DEVELOPMENTAL DELAY, LUNG CYSTS, OVERGROWTH, AND WILMS TUMOR; GLOW Syndrome. Identifiers: Orphanet 404476, MedGen C4748924, MONDO:0018445, OMIM 618272.
Hereditary cancer-predisposing syndrome. Also called: Hereditary neoplastic syndrome; Neoplastic Syndromes, Hereditary; Tumor predisposition; Hereditary Cancer Syndrome. Identifiers: Orphanet 140162, MedGen C0027672, MeSH D009386, MONDO:0015356.

Allele frequency attached by ClinVar (database versions not stated): gnomAD exomes below 0.00001.
gnomAD v4.1: 1 of 1,613,874 alleles (0.000062%); highest among the groups gnomAD compares: African/African-American, 0.0013%; no homozygotes.

Submissions (3):

Labcorp Genetics (formerly Invitae), Labcorp
Classification: Uncertain significance for DICER1-related tumor predisposition. Last evaluated: 2024-04-01. Review status: criteria provided, single submitter. Criteria: Invitae Variant Classification Sherloc (09022015). Collection method: clinical testing. Allele origin: germline.
Comment: This sequence change replaces tyrosine, which is neutral and polar, with cysteine, which is neutral and slightly polar, at codon 1385 of the DICER1 protein (p.Tyr1385Cys). This variant is not present in population databases (gnomAD no frequency). This variant has not been reported in the literature in individuals affected with DICER1-related conditions. ClinVar contains an entry for this variant (Variation ID: 1973827). Advanced modeling of protein sequence and biophysical properties (such as structural, functional, and spatial information, amino acid conservation, physicochemical variation, residue mobility, and thermodynamic stability) performed at Invitae indicates that this missense variant is expected to disrupt DICER1 protein function with a positive predictive value of 80%. In summary, the available evidence is currently insufficient to determine the role of this variant in disease. Therefore, it has been classified as a Variant of Uncertain Significance.

Ambry Genetics
Classification: Uncertain significance for Hereditary cancer-predisposing syndrome. Last evaluated: 2024-03-25. Review status: criteria provided, single submitter. Criteria: Ambry Variant Classification Scheme 2023. Collection method: clinical testing. Allele origin: germline.
Comment: The p.Y1385C variant (also known as c.4154A>G), located in coding exon 21 of the DICER1 gene, results from an A to G substitution at nucleotide position 4154. The tyrosine at codon 1385 is replaced by cysteine, an amino acid with highly dissimilar properties. This amino acid position is conserved. In addition, this alteration is predicted to be deleterious by in silico analysis. Based on the available evidence, the clinical significance of this alteration remains unclear.

Baylor Genetics
Classification: Uncertain significance for Global developmental delay - lung cysts - overgrowth - Wilms tumor syndrome. Last evaluated: 2023-11-27. Review status: criteria provided, single submitter. Criteria: ACMG Guidelines, 2015. Collection method: clinical testing. Allele origin: unknown.

NM_177438.3(DICER1):c.4154A>G (p.Tyr1385Cys)

Gene: DICER1 (dicer 1, ribonuclease III; minus strand). Cytogenetic location: 14q32.13.
Variant type: single nucleotide variant.
Coding change: c.4154A>G on transcript NM_177438.3 (MANE Select); coding-DNA position 4154, A replaced by G.
Protein change: p.Tyr1385Cys; replaces tyrosine 1385 with cysteine.
Molecular consequence: missense variant. On other transcripts: non-coding transcript variant (6).
Genome position (GRCh38, 1-based): chr14:95,099,832, T>C on the plus strand (A>G on the coding strand, the complement: DICER1 is on the minus strand). VCF-style: chr14-95099832-T-C. GRCh37 (hg19) VCF-style: chr14-95566169-T-C.
Other names: c.4154A>G, p.Tyr1385Cys (NM_001195573.1, NM_001271282.3, NM_001291628.2 and 13 more transcripts); c.3872A>G, p.Tyr1291Cys (NM_001395686.1); c.3749A>G, p.Tyr1250Cys (NM_001395687.1, NM_001395688.1, NM_001395689.1 and 2 more transcripts); c.2471A>G, p.Tyr824Cys (NM_001395697.1); c.3587A>G, p.Tyr1196Cys (NM_001395691.1); short protein forms Y1196C, Y1291C, Y1385C, Y824C, Y1250C.
Identifiers: ClinVar variation 1973827 (VCV001973827.7), dbSNP rs2542599705, ClinGen allele CA390871905.